The following is an entry in ClinVar:

NM_000278.5(PAX2):c.364_365dup (p.Ile123fs)

Gene: PAX2 (paired box 2; plus strand). Cytogenetic location: 10q24.31.
Variant type: Duplication.
Coding change: c.364_365dup on transcript NM_000278.5 (MANE Select); coding-DNA positions 364 to 365, 2 bases duplicated (GG; older notation c.364_365dupGG).
Protein change: p.Ile123fs; shifts the reading frame from isoleucine 123.
Molecular consequence: frameshift variant.
Genome position (GRCh38, 1-based): chr10:100,750,845-100,750,846, GG duplicated; duplicating any 2 consecutive bases within chr10:100,750,844-100,750,846 gives the same sequence; the c. name uses the placement nearest the transcript's 3' end. VCF-style (leftmost placement, unchanged base first): chr10-100750843-A-AGG. GRCh37 (hg19) VCF-style: chr10-102510600-A-AGG.
Other names: c.364_365dupGG (NM_003990.3); c.457_458dup, p.Ile154fs (NM_001304569.2); c.364_365dup, p.Ile123fs (NM_003987.5, NM_003988.5, NM_003989.5 and 1 more transcripts); short protein forms I154fs, I123fs.
Identifiers: ClinVar variation 817231 (VCV000817231.2), dbSNP rs1589813731, ClinGen allele CA915947581.

ClinVar aggregate classification (germline): Pathogenic (1 of 4 stars; one submission).

Submission:

GeneDx
Classification: Pathogenic. Last evaluated: 2021-04-23. Review status: criteria provided, single submitter. Criteria: GeneDx Variant Classification Process June 2021. Collection method: clinical testing. Allele origin: germline. Affected: yes.
Comment: Frameshift variant predicted to result in protein truncation or nonsense mediated decay in a gene for which loss-of-function is a known mechanism of disease; Not observed in large population cohorts (Lek et al., 2016); Has not been previously published as pathogenic or benign to our knowledge